The following is an entry in ClinVar:

NM_001378454.1(ALMS1):c.10869G>C (p.Leu3623=)

Gene: ALMS1 (ALMS1 centrosome and basal body associated protein; plus strand). Cytogenetic location: 2p13.1.
Variant type: single nucleotide variant.
Coding change: c.10869G>C on transcript NM_001378454.1 (MANE Select); coding-DNA position 10869, G replaced by C.
Protein change: p.Leu3623=; no amino-acid change (leucine 3623 retained).
Molecular consequence: synonymous variant.
Genome position (GRCh38, 1-based): chr2:73,572,746, G>C. VCF-style: chr2-73572746-G-C. GRCh37 (hg19) VCF-style: chr2-73799873-G-C.
Other names: c.10866G>C (NM_015120.4); c.10872G>C, p.Leu3624= (NM_015120.4).
Identifiers: ClinVar variation 666654 (VCV000666654.8), dbSNP rs775336312, ClinGen allele CA427023982.

ClinVar aggregate classification (germline): Likely benign. Review status: criteria provided, multiple submitters, no conflicts (2 of 4 stars). 2 submissions from 2 submitters: Likely benign (2). Last evaluated 2023-09-03.

Conditions:
Alstrom syndrome (ALMS). Identifiers: Orphanet 64, MedGen C0268425, MONDO:0008763, OMIM 203800.

Submissions (2):

Labcorp Genetics (formerly Invitae), Labcorp
Classification: Likely benign for Alstrom syndrome. Last evaluated: 2023-09-03. Review status: criteria provided, single submitter. Criteria: Invitae Variant Classification Sherloc (09022015). Collection method: clinical testing. Allele origin: germline.

Laboratory for Molecular Medicine, Mass General Brigham Personalized Medicine
Classification: Likely benign. Last evaluated: 2019-01-31. Review status: criteria provided, single submitter. Criteria: LMM Criteria. Collection method: clinical testing. Allele origin: germline. Observed: 1 variant allele.
Comment: The p.Leu3624Leu variant in ALMS1 is classified as likely benign because it does not alter an amino acid residue, is not located within the splice consensus site, and computational splice prediction tools do not predict an impact on splicing. ACMG/AMP Criteria applied: BP4, BP7.